The following is an entry in ClinVar:

NM_017780.4(CHD7):c.*1444T>G

Gene: CHD7 (chromodomain helicase DNA binding protein 7; plus strand). Cytogenetic location: 8q12.2.
Variant type: single nucleotide variant.
Coding change: c.*1444T>G on transcript NM_017780.4 (MANE Select); 1444 bases downstream of the stop codon, T replaced by G.
Molecular consequence: 3 prime UTR variant.
Genome position (GRCh38, 1-based): chr8:60,867,377, T>G. VCF-style: chr8-60867377-T-G. GRCh37 (hg19) VCF-style: chr8-61779936-T-G.
Other names: c.*1444T>G (NM_001316690.1).
Identifiers: ClinVar variation 363502 (VCV000363502.5), dbSNP rs4237040, ClinGen allele CA10631435.
Genomic context (GRCh38, chr8:60,867,377, plus strand): 5'-AGCAAGGGACACAAAGGCACTCTGGTGTCCTGCAGACCAGCGCTCGATGCCAGAAACCAG[T>G]GTGTGGAAAAACCCATGTGGAATTGAAACAGACCCACTTAAGCACGCACGCGCGCACGCA-3'

ClinVar aggregate classification (germline): Benign (1 of 4 stars; one submission).

Conditions:
Hypogonadotropic hypogonadism 5 with or without anosmia (KAL5). Also called: HYPOGONADOTROPIC HYPOGONADISM 5 WITH ANOSMIA; HYPOGONADOTROPHIC HYPOGONADISM 5 WITHOUT ANOSMIA; CHD7-Related GnRH Deficiency (Kallmann Syndrome 5). Identifiers: Orphanet 478, MedGen C3552553, MONDO:0012880, OMIM 612370. Disease mechanism: loss of function.

Allele frequency attached by ClinVar (database versions not stated): TOPMed 0.44862; gnomAD 0.45155 and 0.46614; 1000 Genomes Project 30x 0.48532; 1000 Genomes Project 0.49581; gnomAD exomes 0.57143.
gnomAD v4.1: 71,012 of 152,106 alleles (47%); highest among the groups gnomAD compares: East Asian, 74%; 20,056 homozygotes.

Submission:

Illumina Laboratory Services, Illumina
Classification: Benign for Kallmann Syndrome 5. Last evaluated: 2018-01-13. Review status: criteria provided, single submitter. Criteria: ICSL Variant Classification Criteria 13 December 2019. Collection method: clinical testing. Allele origin: germline.
Comment: This variant was observed in the ICSL laboratory as part of a predisposition screen in an ostensibly healthy population. It had not been previously curated by ICSL or reported in the Human Gene Mutation Database (HGMD: prior to June 1st, 2018), and was therefore a candidate for classification through an automated scoring system. Utilizing variant allele frequency, disease prevalence and penetrance estimates, and inheritance mode, an automated score was calculated to assess if this variant is too frequent to cause the disease. Based on the score and internal cut-off values, a variant classified as benign is not then subjected to further curation. The score for this variant resulted in a classification of benign for this disease.